The following is an entry in ClinVar:

NM_000642.3(AGL):c.4492A>G (p.Lys1498Glu)

Gene: AGL (amylo-alpha-1,6-glucosidase and 4-alpha-glucanotransferase; plus strand). Cytogenetic location: 1p21.2.
Variant type: single nucleotide variant.
Coding change: c.4492A>G on transcript NM_000642.3 (MANE Select); coding-DNA position 4492, A replaced by G.
Protein change: p.Lys1498Glu; replaces lysine 1498 with glutamic acid.
Molecular consequence: missense variant.
Genome position (GRCh38, 1-based): chr1:99,921,544, A>G. VCF-style: chr1-99921544-A-G. GRCh37 (hg19) VCF-style: chr1-100387100-A-G.
Other names: c.4492A>G, p.Lys1498Glu (NM_000028.3, NM_000643.3, NM_000644.3 and 1 more transcripts); c.4444A>G, p.Lys1482Glu (NM_000646.3); c.4471A>G, p.Lys1491Glu (NM_001425326.1); c.4291A>G, p.Lys1431Glu (NM_001425327.1); c.4288A>G, p.Lys1430Glu (NM_001425328.1); c.4153A>G, p.Lys1385Glu (NM_001425329.1); c.4114A>G, p.Lys1372Glu (NM_001425332.1); short protein forms K1482E, K1498E, K1372E, K1385E, K1430E, K1431E, K1491E.
Identifiers: ClinVar variation 1022140 (VCV001022140.2), dbSNP rs1655510736, ClinGen allele CA341343407.

ClinVar aggregate classification (germline): Uncertain significance (1 of 4 stars; one submission).

Conditions:
Glycogen storage disease type III (GSD3). Also called: Cori disease; FORBES DISEASE. Identifiers: Orphanet 366, MedGen C0017922, MONDO:0009291, OMIM 232400.

Submission:

Labcorp Genetics (formerly Invitae), Labcorp
Classification: Uncertain significance for Glycogen storage disease type III. Last evaluated: 2022-07-26. Review status: criteria provided, single submitter. Criteria: Invitae Variant Classification Sherloc (09022015). Collection method: clinical testing. Allele origin: germline.
Comment: This sequence change replaces lysine, which is basic and polar, with glutamic acid, which is acidic and polar, at codon 1498 of the AGL protein (p.Lys1498Glu). This variant is not present in population databases (gnomAD no frequency). This variant has not been reported in the literature in individuals affected with AGL-related conditions. ClinVar contains an entry for this variant (Variation ID: 1022140). Algorithms developed to predict the effect of missense changes on protein structure and function are either unavailable or do not agree on the potential impact of this missense change (SIFT: "Tolerated"; PolyPhen-2: "Possibly Damaging"; Align-GVGD: "Class C0"). In summary, the available evidence is currently insufficient to determine the role of this variant in disease. Therefore, it has been classified as a Variant of Uncertain Significance.